The following is an entry in ClinVar:

ClinVar aggregate classification (germline): Uncertain significance. Review status: criteria provided, multiple submitters, no conflicts (2 of 4 stars). 2 submissions from 2 submitters: Uncertain significance (2). Last evaluated 2025-07-25.

Conditions:
Cardiomyopathy (CMYO). Also called: Cardiomyopathies. Identifiers: Orphanet 167848, MedGen C0878544, MONDO:0004994, HP:0001638. Inheritance: Various modes of inheritance.
Cardiovascular phenotype. Identifiers: MedGen CN230736.

Submissions (2):

Color Diagnostics, LLC DBA Color Health
Classification: Uncertain significance for Cardiomyopathy. Last evaluated: 2025-07-25. Review status: criteria provided, single submitter. Criteria: ACMG Guidelines, 2015. Collection method: clinical testing. Allele origin: germline.
Comment: This variant causes an in-frame substitution of four amino acids at codons 265 to 268 with one novel amino acid in the RYR2 protein (p.Gly265_Ser268delinsThr). To our knowledge, functional studies have not been reported for this variant. This variant has not been reported in individuals affected with RYR2-related disorders in the literature. This variant has not been identified in the general population by the Genome Aggregation Database (gnomAD). The available evidence is insufficient to determine the role of this variant in disease conclusively. Therefore, this variant is classified as a Variant of Uncertain Significance.

Ambry Genetics
Classification: Uncertain significance for Cardiovascular phenotype. Last evaluated: 2024-06-20. Review status: criteria provided, single submitter. Criteria: Ambry Variant Classification Scheme 2023. Collection method: clinical testing. Allele origin: germline.
Comment: The c.792_802del11insAA variant (also known as p.G265_S268delinsT), located in coding exon 11 of the RYR2 gene, results from an in-frame deletion of TGGCGCTGTGT and insertion of AA at nucleotide positions 792 to 802. This results in the deletion of four amino acids (GAVS) at codons 265 to 268, and the insertion of one amino acid (T). This amino acid region is well conserved in available vertebrate species. In addition, this alteration is predicted to be deleterious by in silico analysis (Choi Y et al. PLoS ONE. 2012; 7(10):e46688). Based on the available evidence, the clinical significance of this variant remains unclear.

NM_001035.3(RYR2):c.792_802delinsAA (p.Gly265_Ser268delinsThr)

Gene: RYR2 (ryanodine receptor 2; plus strand). Cytogenetic location: 1q43.
Variant type: Indel.
Coding change: c.792_802delinsAA on transcript NM_001035.3 (MANE Select); coding-DNA positions 792 to 802, TGGCGCTGTGT replaced by AA.
Protein change: p.Gly265_Ser268delinsThr.
Molecular consequence: inframe indel.
Genome position (GRCh38, 1-based): chr1:237,417,067-237,417,077, TGGCGCTGTGT replaced by AA. VCF-style: chr1-237417067-TGGCGCTGTGT-AA. GRCh37 (hg19) VCF-style: chr1-237580367-TGGCGCTGTGT-AA.
Identifiers: ClinVar variation 3315905 (VCV003315905.2).
Genomic context (GRCh38, chr1:237,417,067, plus strand): 5'-TGTTTAACTCACATTTGGGCTTTTGTTTGTTTGTTGAAACAGAACTGTTCATTATGAAGG[TGGCGCTGTGT>AA]CTGTTCATGCACGTTCCCTTTGGAGACTAGAGACGCTAAGAGTTGCGTAAGTAGAACTTC-3'